The following is an entry in ClinVar:

NM_001370298.3(FGD4):c.2455-236G>A

Gene: FGD4 (FYVE, RhoGEF and PH domain containing 4; plus strand). Cytogenetic location: 12p11.21.
Variant type: single nucleotide variant.
Coding change: c.2455-236G>A on transcript NM_001370298.3 (MANE Select); 236 bases into the intron before coding-DNA position 2455, G replaced by A.
Molecular consequence: intron variant.
Genome position (GRCh38, 1-based): chr12:32,640,040, G>A. VCF-style: chr12-32640040-G-A. GRCh37 (hg19) VCF-style: chr12-32792974-G-A.
Other names: c.2455-236G>A (NM_001384126.1); c.2299-236G>A (NM_001304481.2); c.1765-236G>A (NM_001330374.2, NM_001330373.2, NM_001384130.1); c.2044-236G>A (NM_139241.3, NM_001384127.1, NM_001385118.1 and 1 more transcripts); c.1012-236G>A (NM_001304484.2); c.1492-236G>A (NM_001370297.1).
Identifiers: ClinVar variation 680175 (VCV000680175.1), dbSNP rs10771973, ClinGen allele CA13685295.

ClinVar aggregate classification (germline): Benign (1 of 4 stars; one submission).

Allele frequency attached by ClinVar (database versions not stated): 1000 Genomes Project 0.26078; 1000 Genomes Project 30x 0.26156; gnomAD 0.26465 and 0.26788; TOPMed 0.26784.
gnomAD v4.1: 40,979 of 151,970 alleles (27%); highest among the groups gnomAD compares: South Asian, 42%; 5,874 homozygotes.

Submission:

GeneDx
Classification: Benign. Last evaluated: 2018-06-14. Review status: criteria provided, single submitter. Criteria: GeneDx Variant Classification (06012015). Collection method: clinical testing. Allele origin: germline. Affected: yes.
Comment: This variant is considered likely benign or benign based on one or more of the following criteria: it is a conservative change, it occurs at a poorly conserved position in the protein, it is predicted to be benign by multiple in silico algorithms, and/or has population frequency not consistent with disease.